The following is an entry in ClinVar:

NM_001374353.1(GLI2):c.1834G>A (p.Glu612Lys)

Gene: GLI2 (GLI family zinc finger 2; plus strand). Cytogenetic location: 2q14.2.
Variant type: single nucleotide variant.
Coding change: c.1834G>A on transcript NM_001374353.1 (MANE Select); coding-DNA position 1834, G replaced by A.
Protein change: p.Glu612Lys; replaces glutamic acid 612 with lysine.
Molecular consequence: missense variant.
Genome position (GRCh38, 1-based): chr2:120,984,672, G>A. VCF-style: chr2-120984672-G-A. GRCh37 (hg19) VCF-style: chr2-121742248-G-A.
Other names: c.1885G>A, p.Glu629Lys (NM_001371271.1, NM_005270.5); c.1459G>A, p.Glu487Lys (NM_001374354.1); short protein forms E629K, E487K, E612K.
Identifiers: ClinVar variation 37083 (VCV000037083.9), dbSNP rs387907277, ClinGen allele CA260585.
Genomic context (GRCh38, chr2:120,984,672, plus strand): 5'-CTGCTCAAAGAGAATGGGGACAGTGAGGCCGGCACGGAGCCTGGCGGCCCAGAGAGCACC[G>A]AGGCCAGCAGCACCAGCCAGGCCGTGGAGGACTGCCTGCACGTCAGAGCCATCAAGACCG-3'
Protein context (NP_001361282.1, residues 602-622): GTEPGGPEST[Glu612Lys]ASSTSQAVED

ClinVar aggregate classification (germline): Uncertain significance. Review status: criteria provided, multiple submitters, no conflicts (2 of 4 stars). 3 submissions from 3 submitters: Uncertain significance (2). 1 of the submissions does not count toward it. Last evaluated 2022-06-12.

Conditions:
Holoprosencephaly 9 (HPE9). Also called: PITUITARY ANOMALIES WITH HOLOPROSENCEPHALY-LIKE FEATURES; HOLOPROSENCEPHALY WITH MICROPHTHALMIA AND FIRST BRANCHIAL ARCH ANOMALIES. Identifiers: Orphanet 2162, MedGen C1835819, MONDO:0012563, OMIM 610829.
Postaxial polydactyly-anterior pituitary anomalies-facial dysmorphism syndrome. Also called: Culler-Jones syndrome. Identifiers: Orphanet 420584, MedGen C4014479, MONDO:0014369, OMIM 615849.

Allele frequency attached by ClinVar (database versions not stated): gnomAD 0.00002 and 0.00004; TOPMed 0.00003; ExAC 0.00005; gnomAD exomes 0.00006.
gnomAD v4.1: 51 of 1,613,584 alleles (0.0032%); highest among the groups gnomAD compares: South Asian, 0.034%; no homozygotes.

Submissions (3):

Labcorp Genetics (formerly Invitae), Labcorp
Classification: Uncertain significance for Postaxial polydactyly-anterior pituitary anomalies-facial dysmorphism syndrome; Holoprosencephaly 9. Last evaluated: 2022-06-12. Review status: criteria provided, single submitter. Criteria: Invitae Variant Classification Sherloc (09022015). Collection method: clinical testing. Allele origin: germline.
Comment: In summary, the available evidence is currently insufficient to determine the role of this variant in disease. Therefore, it has been classified as a Variant of Uncertain Significance. Algorithms developed to predict the effect of missense changes on protein structure and function are either unavailable or do not agree on the potential impact of this missense change (SIFT: "Tolerated"; PolyPhen-2: "Probably Damaging"; Align-GVGD: "Class C0"). ClinVar contains an entry for this variant (Variation ID: 37083). This missense change has been observed in individual(s) with clinical features of GLI2-related conditions (PMID: 21204792). This variant is present in population databases (rs387907277, gnomAD 0.04%), and has an allele count higher than expected for a pathogenic variant. This sequence change replaces glutamic acid, which is acidic and polar, with lysine, which is basic and polar, at codon 629 of the GLI2 protein (p.Glu629Lys).

Illumina Laboratory Services, Illumina
Classification: Uncertain significance for Holoprosencephaly 9. Last evaluated: 2018-01-19. Review status: criteria provided, single submitter. Criteria: ICSL Variant Classification Criteria 13 December 2019. Collection method: clinical testing. Allele origin: germline.
Comment: This variant was observed as part of a predisposition screen in an ostensibly healthy population. A literature search was performed for the gene, cDNA change, and amino acid change (where applicable). Publications were found based on this search. However, the evidence from the literature, in combination with allele frequency data from public databases where available, was not sufficient to rule this variant in or out of causing disease. Therefore, this variant is classified as a variant of unknown significance.

OMIM
Classification: Pathogenic for HOLOPROSENCEPHALY 9. Last evaluated: 2012-01-01. Review status: no assertion criteria provided. Collection method: literature only. Allele origin: germline. Not counted in ClinVar's aggregate classification.

Literature cited by the submitters: PubMed 21204792 (cited by 3 submitters).